The following is an entry in ClinVar:

NM_000166.6(GJB1):c.310A>T (p.Lys104Ter)

Gene: GJB1 (gap junction protein beta 1; plus strand). Cytogenetic location: Xq13.1.
Variant type: single nucleotide variant.
Coding change: c.310A>T on transcript NM_000166.6 (MANE Select); coding-DNA position 310, A replaced by T.
Protein change: p.Lys104Ter; replaces lysine 104 with a stop codon.
Molecular consequence: nonsense.
Genome position (GRCh38, 1-based): chrX:71,224,017, A>T. VCF-style: chrX-71224017-A-T. GRCh37 (hg19) VCF-style: chrX-70443867-A-T.
Other names: c.310A>T, p.Lys104Ter (NM_001097642.3); short protein forms K104*.
Identifiers: ClinVar variation 2692953 (VCV002692953.3), dbSNP rs2519798270, ClinGen allele CA413501875.
Genomic context (GRCh38, chrX:71,224,017, plus strand): 5'-GTTTCCACCCCAGCTCTCCTCGTGGCCATGCACGTGGCTCACCAGCAACACATAGAGAAG[A>T]AAATGCTACGGCTTGAGGGCCATGGGGACCCCCTACACCTGGAGGAGGTGAAGAGGCACA-3'

ClinVar aggregate classification (germline): Pathogenic (1 of 4 stars; one submission).

Conditions:
Charcot-Marie-Tooth Neuropathy X. Identifiers: MedGen CN118851.

Submission:

Labcorp Genetics (formerly Invitae), Labcorp
Classification: Pathogenic for Charcot-Marie-Tooth Neuropathy X. Last evaluated: 2023-11-03. Review status: criteria provided, single submitter. Criteria: Invitae Variant Classification Sherloc (09022015). Collection method: clinical testing. Allele origin: germline.
Comment: This sequence change creates a premature translational stop signal (p.Lys104*) in the GJB1 gene. While this is not anticipated to result in nonsense mediated decay, it is expected to disrupt the last 180 amino acid(s) of the GJB1 protein. This variant is not present in population databases (gnomAD no frequency). This variant has not been reported in the literature in individuals affected with GJB1-related conditions. This variant disrupts a region of the GJB1 protein in which other variant(s) (p.Arg220*) have been determined to be pathogenic (PMID: 7477983, 8162049, 9364054, 21291455). This suggests that this is a clinically significant region of the protein, and that variants that disrupt it are likely to be disease-causing. For these reasons, this variant has been classified as Pathogenic.

Literature cited by the submitters: PubMed 7477983; PubMed 8162049; PubMed 9364054; PubMed 21291455.